The following is an entry in ClinVar:

NM_014795.4(ZEB2):c.2992A>G (p.Met998Val)

Gene: ZEB2 (zinc finger E-box binding homeobox 2; minus strand). Cytogenetic location: 2q22.3.
Variant type: single nucleotide variant.
Coding change: c.2992A>G on transcript NM_014795.4 (MANE Select); coding-DNA position 2992, A replaced by G.
Protein change: p.Met998Val; replaces methionine 998 with valine.
Molecular consequence: missense variant.
Genome position (GRCh38, 1-based): chr2:144,396,487, T>C on the plus strand (A>G on the coding strand, the complement: ZEB2 is on the minus strand). VCF-style: chr2-144396487-T-C. GRCh37 (hg19) VCF-style: chr2-145154054-T-C.
Other names: c.2920A>G, p.Met974Val (NM_001171653.2); short protein forms M974V, M998V.
Identifiers: ClinVar variation 4807047 (VCV004807047.1).

ClinVar aggregate classification (germline): Uncertain significance (1 of 4 stars; one submission).

Conditions:
Mowat-Wilson syndrome (MOWS). Also called: Classic Mowat-Wilson Syndrome. Identifiers: Orphanet 2152, MedGen C1856113, MONDO:0009341, OMIM 235730.

gnomAD v4.1: 1 of 1,614,178 alleles (0.000062%); highest among the groups gnomAD compares: Non-Finnish European, 0.000085%; no homozygotes.

Submission:

Labcorp Genetics (formerly Invitae), Labcorp
Classification: Uncertain significance for Mowat-Wilson syndrome. Last evaluated: 2025-05-25. Review status: criteria provided, single submitter. Criteria: Invitae Variant Classification Sherloc (09022015). Collection method: clinical testing. Allele origin: germline.
Comment: This sequence change replaces methionine, which is neutral and non-polar, with valine, which is neutral and non-polar, at codon 998 of the ZEB2 protein (p.Met998Val). This variant is not present in population databases (gnomAD no frequency). This variant has not been reported in the literature in individuals affected with ZEB2-related conditions. Invitae Evidence Modeling of protein sequence and biophysical properties (such as structural, functional, and spatial information, amino acid conservation, physicochemical variation, residue mobility, and thermodynamic stability) indicates that this missense variant is not expected to disrupt ZEB2 protein function with a negative predictive value of 80%. In summary, the available evidence is currently insufficient to determine the role of this variant in disease. Therefore, it has been classified as a Variant of Uncertain Significance.